The following is an entry in ClinVar:

NM_003719.5(PDE8B):c.304G>T (p.Glu102Ter)

Gene: PDE8B (phosphodiesterase 8B; plus strand). Cytogenetic location: 5q13.3.
Variant type: single nucleotide variant.
Coding change: c.304G>T on transcript NM_003719.5 (MANE Select); coding-DNA position 304, G replaced by T.
Protein change: p.Glu102Ter; replaces glutamic acid 102 with a stop codon.
Molecular consequence: nonsense. On other transcripts: intron variant (13), 5 prime UTR variant (1).
Genome position (GRCh38, 1-based): chr5:77,211,229, G>T. VCF-style: chr5-77211229-G-T. GRCh37 (hg19) VCF-style: chr5-76507054-G-T.
Other names: c.304G>T, p.Glu102Ter (NM_001376064.1, NM_001376065.1, NM_001029851.4 and 7 more transcripts); c.36+30743G>T (NM_001349750.3, NM_001376069.1, NM_001376062.1 and 7 more transcripts); c.-66G>T (NM_001349753.2); c.-34+1183G>T (NM_001376067.1, NM_001376075.1); c.-31+1183G>T (NM_001376068.1); short protein forms E102*.
Identifiers: ClinVar variation 235863 (VCV000235863.11), dbSNP rs878853158, ClinGen allele CA10581474.

ClinVar aggregate classification (germline): Likely pathogenic. Review status: criteria provided, single submitter (1 of 4 stars). 2 submissions from 2 submitters: Likely pathogenic (1). 1 of the submissions does not count toward it. Last evaluated 2025-07-01.

Conditions:
Autosomal dominant striatal neurodegeneration type 1. Identifiers: Orphanet 228169, MedGen C4310808, MONDO:0012205, OMIM 609161.

Submissions (2):

CeGaT Center for Human Genetics Tuebingen
Classification: Likely pathogenic. Last evaluated: 2025-07-01. Review status: criteria provided, single submitter. Criteria: CeGaT Center For Human Genetics Tuebingen Variant Classification Criteria Version 2. Collection method: clinical testing. Allele origin: germline. Affected: yes. Observed: 1 variant allele.
Comment: PDE8B: PVS1:Strong, PM2, PS4:Supporting

OMIM
Classification: Pathogenic for STRIATAL DEGENERATION, AUTOSOMAL DOMINANT 1. Last evaluated: 2024-02-29. Review status: no assertion criteria provided. Collection method: literature only. Allele origin: germline. Not counted in ClinVar's aggregate classification.

Literature cited by the submitters: PubMed 26769607 (cited by OMIM).